The following continues an entry in ClinVar:

NM_000312.4(PROC):c.565C>T (p.Arg189Trp)

Gene: PROC. ClinVar aggregate classification (germline): Conflicting classifications of pathogenicity. Pathogenic (1); Likely pathogenic (7); Uncertain significance (5).

Submissions 8 to 14 of 14:

Victorian Clinical Genetics Services, Murdoch Childrens Research Institute
Classification: Likely pathogenic for Thrombophilia due to protein C deficiency, autosomal dominant. Last evaluated: 2022-02-02. Review status: criteria provided, single submitter. Criteria: ACMG Guidelines, 2015. Collection method: clinical testing. Allele origin: germline. Inheritance: Autosomal dominant inheritance. Affected: no.
Comment: Based on the classification scheme VCGS_Germline_v1.3.4, this variant is classified as Likely Pathogenic. Following criteria are met: 0102 - Loss of function is a known mechanism of disease in this gene and is associated with autosomal domain and recessive thrombophilia due to protein C deficiency (MIM#176860, MIM#612304). (I) 0108 - This gene is associated with both recessive and dominant disease. Heterozygous individuals may be asymptomatic, however, they are still at increased risk of venous thrombosis. Homozygous individuals often present with a more severe phenotype (OMIM). (I) 0112 - The condition associated with this gene has incomplete penetrance, with asymptomatic carriers commonly reported (OMIM). (I) 0200 - Variant is predicted to result in a missense amino acid change from arginine to tryptophan. (I) 0251 - This variant is heterozygous. (I) 0304 - Variant is present in gnomAD (v2) <0.01 for a condition (198 heterozygotes, 2 homozygotes), with an East Asian sub-population frequency of 0.7%. (SP) 0309 - An alternative amino acid change at the same position has been observed in gnomAD (v2) (6 heterozygotes, 0 homozygotes). (I) 0504 - Same amino acid change has been observed in placental mammals. (SB) 0604 - Variant is not located in an established domain, motif, hotspot or informative constraint region. (I) 0705 - No comparable missense variants have previous evidence for pathogenicity. However, an alternative change of weaker Grantham score (p.Arg189Gln), has been reported as a VUS (ClinVar). (I) 0801 - This variant has strong previous evidence of pathogenicity in unrelated individuals. This variant has been reported as a VUS, likely pathogenic and pathogenic, and is associated with protein C deficiency and idiopathic deep vein thrombosis. While it has been reported in healthy controls, it is strongly enriched in cohorts with bleeding disorders (ClinVar, LOVD, PMID: 22545135, 24162787, 30210609, 31064749, 31180159, 32964666). (SP) 1002 - This variant has moderate functional evidence supporting abnormal protein function. This variant is associated with decreased functional activity of protein C (PMID: 22545135, 32964666). (I) Legend: (SP) - Supporting pathogenic, (I) - Information, (SB) - Supporting benign

Genetics and Molecular Pathology, SA Pathology
Classification: Likely pathogenic for Thrombophilia due to protein C deficiency, autosomal dominant. Last evaluated: 2019-12-17. Review status: criteria provided, single submitter. Criteria: ACMG Guidelines, 2015. Collection method: clinical testing. Allele origin: germline. Affected: yes.

Mendelics
Classification: Uncertain significance for Thrombophilia due to protein C deficiency, autosomal dominant. Last evaluated: 2019-05-28. Review status: criteria provided, single submitter. Criteria: Mendelics Assertion Criteria 2017. Collection method: clinical testing. Allele origin: unknown.

NIHR Bioresource Rare Diseases, University of Cambridge
Classification: Likely pathogenic for Reduced protein C activity. Last evaluated: 2019-02-01. Review status: criteria provided, single submitter. Criteria: ACMG Guidelines, 2015. Collection method: research. Allele origin: unknown. Affected: yes. Observed: 1 compound heterozygote. Study: ThromboGenomics.

CSER _CC_NCGL, University of Washington
Classification: Uncertain significance for Protein C deficiency. Last evaluated: 2014-06-01. Review status: criteria provided, single submitter. Criteria: Amendola et al. (Genome Res. 2015). Collection method: research. Allele origin: germline. Inheritance: Autosomal dominant inheritance. Study: ESP 6500 variant annotation.
Comment: Low GERP score may suggest that this variant may belong in a lower pathogenicity class

Variants classified for the Actionable exomic incidental findings in 6503 participants: challenges of variant classification manuscript

Juno Genomics, Hangzhou Juno Genomics, Inc
Classification: Uncertain significance for Thrombophilia due to protein C deficiency, autosomal dominant; Thrombophilia due to protein C deficiency, autosomal recessive. Review status: criteria provided, single submitter. Criteria: ACMG Guidelines, 2015. Collection method: clinical testing. Allele origin: germline.
Comment: The prevalence of the variant in affected individuals is significantly increased compared to the prevalence in controls.;For recessive disorders, detected in trans with a pathogenic variant.;Patient's phenotype or family history is highly specific for a disease with a single genetic etiology.;Observed in a healthy adult individual for a recessive/dominant/X-linked disorder with full penetrance.

Department of Pathology and Laboratory Medicine, Sinai Health System
Classification: Established risk allele for Thrombophilia 3 due to protein C deficiency. Review status: no assertion criteria provided. Collection method: research. Allele origin: unknown. Not counted in ClinVar's aggregate classification.
Comment: The PROC c.565C>T (p.Arg189Trp) (also known as the p.Arg147Trp variant in the literature) has been identified as a common variant causing protein C deficiency among East Asian populations, with a reported frequency of 27.8% in the protein C deficient Chinese population (Ding_2014_PMID:23389250). The variant has been identified in numerous homozygous and heterozygous individuals with deep vein thrombosis (DVT) and protein C deficiency (Duc Do_2021_PMID:32964666, Tang_2012_PMID:22545135, Li_2018_PMID:30210609, Ding_2014_PMID:23389250, Tang_2012_PMID:22817391). One case-control study in a Chinese DVT patient population identified the p.Arg189Trp variant at a frequency of 5.88% in the DVT population compared to 0.87% in healthy controls, and identified that first-degree relatives of affected patients who harbour the p.R189W variant have an 8.8-fold increased risk of venous thrombosis (Tang_2012_PMID:22817391, Tang_2012_PMID:22545135). The variant was identified in dbSNP (ID: rs146922325) and ClinVar (classified as uncertain by Invitae, Mendelics and 1 other submitter, pathogenic by Illumina, and likely pathogenic by NIHR Bioresource Rare Diseases, University of Cambridge). The variant was identified in control databases in 202 of 282736 chromosomes (2 homozygous) at a frequency of 0.0007144, and was observed at the highest frequency in the East Asian population in 156 of 19950 chromosomes (freq: 0.007820) (Genome Aggregation Database March 6, 2019, v2.1.1). The p.Arg189 residue is conserved in mammals and computational analyses (MUT Assesor, PolyPhen-2, SIFT, MutationTaster, Revel, FATHMM, MetaLR) provide inconsistent predictions regarding the impact to the protein; this information is not very predictive of pathogenicity. The variant occurs outside of the splicing consensus sequence and in silico or computational prediction software programs (Splice AI) predict an uncertain effect on splicing. The p.Arg189Trp variant has shown to exhibit ~3 fold lower affinity for binding the EPCR transmembrane receptor (Ding_2014_PMID:23389250). In summary, based on the above information the clinical significance of this variant cannot be determined with certainty at this time although we would lean towards a more pathogenic role for this variant. This variant is classified as likely pathogenic – risk factor for thrombophilia due to protein C deficiency.

Literature cited by the submitters: PubMed 28511552 (cited by Variantyx, Inc.); PubMed 23332921 (cited by 3 submitters); PubMed 23389250 (cited by 3 submitters); PubMed 7482420 (cited by Labcorp Genetics (formerly Invitae), Labcorp); PubMed 22545135 (cited by 3 submitters); PubMed 22817391 (cited by Labcorp Genetics (formerly Invitae), Labcorp); PubMed 22944127 (cited by Labcorp Genetics (formerly Invitae), Labcorp); PubMed 24028705 (cited by Labcorp Genetics (formerly Invitae), Labcorp); PubMed 24162787 (cited by Labcorp Genetics (formerly Invitae), Labcorp and Victorian Clinical Genetics Services, Murdoch Childrens Research Institute); PubMed 28111891 (cited by Labcorp Genetics (formerly Invitae), Labcorp); PubMed 32717757 (cited by Labcorp Genetics (formerly Invitae), Labcorp); PubMed 24233386 (cited by Illumina Laboratory Services, Illumina); PubMed 32964666 (cited by Illumina Laboratory Services, Illumina and Victorian Clinical Genetics Services, Murdoch Childrens Research Institute); PubMed 37950050 (cited by Illumina Laboratory Services, Illumina); PubMed 37789321 (cited by Illumina Laboratory Services, Illumina); PubMed 30210609 (cited by Victorian Clinical Genetics Services, Murdoch Childrens Research Institute); PubMed 31064749 (cited by Victorian Clinical Genetics Services, Murdoch Childrens Research Institute and NIHR Bioresource Rare Diseases, University of Cambridge); PubMed 31180159 (cited by Victorian Clinical Genetics Services, Murdoch Childrens Research Institute).